The following is an entry in ClinVar:

NM_000540.3(RYR1):c.12928_12988del (p.Tyr4310fs)

Gene: RYR1 (ryanodine receptor 1; plus strand). Cytogenetic location: 19q13.2.
Variant type: Deletion.
Coding change: c.12928_12988del on transcript NM_000540.3 (MANE Select); coding-DNA positions 12928 to 12988, 61 bases deleted.
Protein change: p.Tyr4310fs; shifts the reading frame from tyrosine 4310.
Molecular consequence: frameshift variant.
Genome position (GRCh38, 1-based): chr19:38,565,262-38,565,322, 61 bases deleted. GRCh37 (hg19): chr19:39,055,902-39,055,962.
Other names: c.12913_12973del, p.Tyr4305fs (NM_001042723.2); c.12928_12988del61 (NM_000540.3); short protein forms Y4305fs, Y4310fs.
Identifiers: ClinVar variation 4535780 (VCV004535780.1).

ClinVar aggregate classification (germline): Pathogenic (1 of 4 stars; one submission).

Conditions:
Congenital multicore myopathy with external ophthalmoplegia (CMYO1B). Also called: Minicore myopathy; MULTICORE MYOPATHY; Minicore myopathy with external ophthalmoplegia; MULTIMINICORE DISEASE WITH EXTERNAL OPHTHALMOPLEGIA; Congenital myopathy 1B, autosomal recessive. Identifiers: Orphanet 598, Orphanet 98905, MedGen C1850674, MONDO:0009712, OMIM 255320, HP:0003789.

Submission:

Women's Health and Genetics/Laboratory Corporation of America, LabCorp
Classification: Pathogenic for Congenital multicore myopathy with external ophthalmoplegia. Last evaluated: 2025-09-04. Review status: criteria provided, single submitter. Criteria: LabCorp Variant Classification Summary - May 2015. Collection method: clinical testing. Allele origin: germline.
Comment: Variant summary: RYR1 c.12928_12988del61 (p.Tyr4310ProfsX11) results in a premature termination codon, predicted to cause a truncation of the encoded protein or absence of the protein due to nonsense mediated decay, which are commonly known mechanisms for disease. Loss-of-function variants in RYR1 are known to be pathogenic (PMID: 23919265, 25960145, 28818389, 30611313). The variant was absent in control chromosomes (gnomAD). To our knowledge, no occurrence of c.12928_12988del61 in individuals affected with RYR1-related conditions and no experimental evidence demonstrating its impact on protein function have been reported. No submitters have cited clinical-significance assessments for this variant to ClinVar. Based on the evidence outlined above, the variant was classified as pathogenic.